The following is an entry in ClinVar:

ClinVar aggregate classification (germline): Pathogenic. Review status: criteria provided, multiple submitters, no conflicts (2 of 4 stars). 2 submissions from 2 submitters: Pathogenic (2). Last evaluated 2026-02-04.

Conditions:
Ichthyosis and erythrokeratoderma.

Submissions (2):

Genetics Laboratory, Great Ormond Street Hospital NHS Foundation Trust, North Thames Genomic Laboratory Hub
Classification: Pathogenic for Ichthyosis and erythrokeratoderma. Last evaluated: 2026-02-04. Review status: criteria provided, single submitter. Criteria: ACGS Best Practice Guidelines for Variant Classification in Rare Disease 2024 v1.2. Collection method: clinical testing. Allele origin: germline. Affected: yes.
Comment: PM2_moderate, PVS1_very-strong, PM3_supporting

GeneDx
Classification: Pathogenic. Last evaluated: 2025-07-22. Review status: criteria provided, single submitter. Criteria: GeneDx Variant Classification Process June 2021. Collection method: clinical testing. Allele origin: germline. Affected: yes.
Comment: Has been observed in the heterozygous state in a patient with atopic dermatitis (PMID: 37067103); Nonsense variant predicted to result in protein truncation, as the last 3635 amino acid(s) are lost, and other loss-of-function variants have been reported downstream in HGMD; This variant is associated with the following publications: (PMID: 16444271, 37067103)

NM_002016.2(FLG):c.1279G>T (p.Gly427Ter)

Genes: CCDST (cervical cancer associated DHX9 suppressive transcript; plus strand), FLG (filaggrin; minus strand). Cytogenetic location: 1q21.3.
Variant type: single nucleotide variant.
Coding change: c.1279G>T on transcript NM_002016.2 (MANE Select); coding-DNA position 1279, G replaced by T.
Protein change: p.Gly427Ter; replaces glycine 427 with a stop codon.
Molecular consequence: nonsense. On other transcripts: non-coding transcript variant (1).
Genome position (GRCh38, 1-based): chr1:152,313,607, C>A on the plus strand (G>T on the coding strand, the complement: FLG is on the minus strand). VCF-style: chr1-152313607-C-A. GRCh37 (hg19) VCF-style: chr1-152286083-C-A.
Other names: short protein forms G427*.
Identifiers: ClinVar variation 4686855 (VCV004686855.2).
Genomic context (GRCh38, chr1:152,313,607, plus strand): 5'-GTCTCAGCCCAGCCTTTCCGTGGCCTGACACTGATTGTGTGTCTGAGTTTTCTGAATGTC[C>A]CTCACTGTCACTGGCCTGACTACCGCTAGACCCCCGGTGTCCACGATCGCTGACTGCAGA-3'